The following is an entry in ClinVar:

ClinVar aggregate classification (germline): Uncertain significance. Review status: criteria provided, multiple submitters, no conflicts (2 of 4 stars). 4 submissions from 4 submitters: Uncertain significance (4). Last evaluated 2026-06-10.

Conditions:
Hereditary cancer-predisposing syndrome. Also called: Tumor predisposition; Hereditary neoplastic syndrome; Neoplastic Syndromes, Hereditary; Hereditary Cancer Syndrome. Identifiers: Orphanet 140162, MedGen C0027672, MeSH D009386, MONDO:0015356.
DICER1-related tumor predisposition. Also called: DICER1-related pleuropulmonary blastoma cancer predisposition syndrome; DICER1 syndrome. Identifiers: Orphanet 284343, MedGen C3839822, MONDO:0100216.
Global developmental delay - lung cysts - overgrowth - Wilms tumor syndrome. Also called: GLOW Syndrome; GLOBAL DEVELOPMENTAL DELAY, LUNG CYSTS, OVERGROWTH, AND WILMS TUMOR. Identifiers: Orphanet 404476, MedGen C4748924, MONDO:0018445, OMIM 618272.

Allele frequency attached by ClinVar (database versions not stated): gnomAD 0.00001; gnomAD exomes 0.00001; ExAC 0.00002.
gnomAD v4.1: 4 of 1,601,852 alleles (0.00025%); highest among the groups gnomAD compares: East Asian, 0.0022%; no homozygotes.

Submissions (4):

Ambry Genetics
Classification: Uncertain significance for Hereditary cancer-predisposing syndrome. Last evaluated: 2026-06-10. Review status: criteria provided, single submitter. Criteria: Ambry Variant Classification Scheme 2023. Collection method: clinical testing. Allele origin: germline.
Comment: The p.R245S variant (also known as c.735G>T) is located in coding exon 6 of the DICER1 gene. The arginine at codon 245 is replaced by serine, an amino acid with dissimilar properties. This change occurs in the first base pair of coding exon 6. This amino acid position is highly conserved in available vertebrate species. In addition, the in silico prediction for this alteration is inconclusive. Based on the available evidence, the clinical significance of this variant remains unclear.

Labcorp Genetics (formerly Invitae), Labcorp
Classification: Uncertain significance for DICER1-related tumor predisposition. Last evaluated: 2025-09-27. Review status: criteria provided, single submitter. Criteria: Invitae Variant Classification Sherloc (09022015). Collection method: clinical testing. Allele origin: germline.
Comment: This sequence change replaces arginine, which is basic and polar, with serine, which is neutral and polar, at codon 245 of the DICER1 protein (p.Arg245Ser). This variant is present in population databases (rs767605412, gnomAD 0.02%). This variant has not been reported in the literature in individuals affected with DICER1-related conditions. ClinVar contains an entry for this variant (Variation ID: 477281). Invitae Evidence Modeling of protein sequence and biophysical properties (such as structural, functional, and spatial information, amino acid conservation, physicochemical variation, residue mobility, and thermodynamic stability) indicates that this missense variant is not expected to disrupt DICER1 protein function with a negative predictive value of 95%. RNA analysis performed to evaluate the impact of this missense change on mRNA splicing indicates it does not significantly alter splicing (internal data). In summary, the available evidence is currently insufficient to determine the role of this variant in disease. Therefore, it has been classified as a Variant of Uncertain Significance.

Baylor Genetics
Classification: Uncertain significance for Global developmental delay - lung cysts - overgrowth - Wilms tumor syndrome. Last evaluated: 2024-02-05. Review status: criteria provided, single submitter. Criteria: ACMG Guidelines, 2015. Collection method: clinical testing. Allele origin: unknown.

GeneDx
Classification: Uncertain significance. Last evaluated: 2022-11-06. Review status: criteria provided, single submitter. Criteria: GeneDx Variant Classification Process June 2021. Collection method: clinical testing. Allele origin: germline. Affected: yes.
Comment: Not observed at significant frequency in large population cohorts (gnomAD); In silico analysis supports that this missense variant has a deleterious effect on protein structure/function; Has not been previously published as pathogenic or benign to our knowledge

NM_177438.3(DICER1):c.735G>T (p.Arg245Ser)

Gene: DICER1 (dicer 1, ribonuclease III; minus strand). Cytogenetic location: 14q32.13.
Variant type: single nucleotide variant.
Coding change: c.735G>T on transcript NM_177438.3 (MANE Select); coding-DNA position 735, G replaced by T.
Protein change: p.Arg245Ser; replaces arginine 245 with serine.
Molecular consequence: missense variant.
Genome position (GRCh38, 1-based): chr14:95,126,748, C>A on the plus strand (G>T on the coding strand, the complement: DICER1 is on the minus strand). VCF-style: chr14-95126748-C-A. GRCh37 (hg19) VCF-style: chr14-95593085-C-A.
Other names: c.735G>T, p.Arg245Ser (NM_001195573.1, NM_001271282.3, NM_001291628.2 and 1 more transcripts); short protein forms R245S.
Identifiers: ClinVar variation 477281 (VCV000477281.16), dbSNP rs767605412, ClinGen allele CA7331576.